The following is an entry in ClinVar:

ClinVar aggregate classification (germline): Uncertain significance (1 of 4 stars; one submission).

Conditions:
Brown-Vialetto-van Laere syndrome 2. Also called: SPINOCEREBELLAR ATAXIA WITH BLINDNESS AND DEAFNESS 2; Riboflavin transporter deficiency type 2. Identifiers: Orphanet 572543, Orphanet 97229, MedGen C3553538, MONDO:0013867, OMIM 614707.

Allele frequency attached by ClinVar (database versions not stated): gnomAD exomes below 0.00001 and 0.00001.

Submission:

Labcorp Genetics (formerly Invitae), Labcorp
Classification: Uncertain significance for Brown-Vialetto-van Laere syndrome 2. Last evaluated: 2021-03-05. Review status: criteria provided, single submitter. Criteria: Invitae Variant Classification Sherloc (09022015). Collection method: clinical testing. Allele origin: germline.
Comment: This sequence change replaces cysteine with glycine at codon 439 of the SLC52A2 protein (p.Cys439Gly). The cysteine residue is highly conserved and there is a large physicochemical difference between cysteine and glycine. This variant is not present in population databases (ExAC no frequency). This variant has not been reported in the literature in individuals with SLC52A2-related conditions. Algorithms developed to predict the effect of missense changes on protein structure and function (SIFT, PolyPhen-2, Align-GVGD) all suggest that this variant is likely to be disruptive, but these predictions have not been confirmed by published functional studies and their clinical significance is uncertain. In summary, the available evidence is currently insufficient to determine the role of this variant in disease. Therefore, it has been classified as a Variant of Uncertain Significance.

NM_001363118.2(SLC52A2):c.1315T>G (p.Cys439Gly)

Gene: SLC52A2 (solute carrier family 52 member 2; plus strand). Cytogenetic location: 8q24.3.
Variant type: single nucleotide variant.
Coding change: c.1315T>G on transcript NM_001363118.2 (MANE Select); coding-DNA position 1315, T replaced by G.
Protein change: p.Cys439Gly; replaces cysteine 439 with glycine.
Molecular consequence: missense variant. On other transcripts: non-coding transcript variant (1).
Genome position (GRCh38, 1-based): chr8:144,360,992, T>G. VCF-style: chr8-144360992-T-G. GRCh37 (hg19) VCF-style: chr8-145584652-T-G.
Other names: c.1315T>G, p.Cys439Gly (NM_001253815.2, NM_001253816.2, NM_001363120.2 and 2 more transcripts); c.823T>G, p.Cys275Gly (NM_001363122.2); short protein forms C275G, C439G.
Identifiers: ClinVar variation 971227 (VCV000971227.7), dbSNP rs1554854661, ClinGen allele CA372630471.
Genomic context (GRCh38, chr8:144,360,992, plus strand): 5'-GGCGCTGTTGCTATGTTCCCCCCGACCAGCATCTATCACGTGTTCCACAGCAGAAAGGAC[T>G]GTGCAGACCCCTGTGACTCCTGAGCCTGGGCAGGTGGGGACCCCGCTCCCCAACACCTGT-3'
Protein context (NP_001350047.1, residues 429-445): IYHVFHSRKD[Cys439Gly]ADPCDS